The following is an entry in ClinVar:

ClinVar aggregate classification (germline): Conflicting classifications of pathogenicity. Review status: criteria provided, conflicting classifications (1 of 4 stars). 4 submissions from 4 submitters: Uncertain significance (1); Likely benign (3). Last evaluated 2025-10-27.

Conditions:
Inborn genetic diseases. Identifiers: MedGen C0950123, MeSH D030342.
Cortical dysplasia-focal epilepsy syndrome (PTHSL1). Also called: Pitt-Hopkins-like syndrome 1. Identifiers: Orphanet 163681, Orphanet 221150, MedGen C2750246, MONDO:0012400, OMIM 610042.

Allele frequency attached by ClinVar (database versions not stated): ExAC 0.00001; gnomAD exomes 0.00001 and 0.00002; gnomAD 0.00002 and 0.00003; TOPMed 0.00003.
gnomAD v4.1: 35 of 1,612,362 alleles (0.0022%); highest among the groups gnomAD compares: Non-Finnish European, 0.0028%; no homozygotes.

Submissions (4):

Labcorp Genetics (formerly Invitae), Labcorp
Classification: Likely benign for Cortical dysplasia-focal epilepsy syndrome. Last evaluated: 2025-10-27. Review status: criteria provided, single submitter. Criteria: Invitae Variant Classification Sherloc (09022015). Collection method: clinical testing. Allele origin: germline.

Ambry Genetics
Classification: Likely benign for Inborn genetic diseases. Last evaluated: 2017-04-21. Review status: criteria provided, single submitter. Criteria: Ambry Variant Classification Scheme 2023. Collection method: clinical testing. Allele origin: germline.

GeneDx
Classification: Likely benign. Last evaluated: 2017-04-14. Review status: criteria provided, single submitter. Criteria: GeneDx Variant Classification (06012015). Collection method: clinical testing. Allele origin: germline. Affected: yes.
Comment: This variant is considered likely benign or benign based on one or more of the following criteria: it is a conservative change, it occurs at a poorly conserved position in the protein, it is predicted to be benign by multiple in silico algorithms, and/or has population frequency not consistent with disease.

Eurofins Ntd Llc (ga)
Classification: Uncertain significance. Last evaluated: 2015-09-15. Review status: criteria provided, single submitter. Criteria: EGL Classification Definitions 2015. Collection method: clinical testing. Allele origin: germline. Observed: 1 variant allele, 1 heterozygote.

NM_014141.6(CNTNAP2):c.1581C>T (p.Asp527=)

Gene: CNTNAP2 (contactin associated protein 2; plus strand). Cytogenetic location: 7q35.
Variant type: single nucleotide variant.
Coding change: c.1581C>T on transcript NM_014141.6 (MANE Select); coding-DNA position 1581, C replaced by T.
Protein change: p.Asp527=; no amino-acid change (aspartic acid 527 retained).
Molecular consequence: synonymous variant.
Genome position (GRCh38, 1-based): chr7:147,395,691, C>T. VCF-style: chr7-147395691-C-T. GRCh37 (hg19) VCF-style: chr7-147092783-C-T.
Identifiers: ClinVar variation 283353 (VCV000283353.20), dbSNP rs774328147, ClinGen allele CA4546112.